The following is an entry in ClinVar:

ClinVar aggregate classification (germline): Conflicting classifications of pathogenicity. Review status: no assertion criteria provided (0 of 4 stars). 2 submissions from 2 submitters: Likely pathogenic (1); Uncertain significance (1). Last evaluated 2026-02-04.

Conditions:
Autosomal recessive nonsyndromic hearing loss 9. Also called: Deafness, autosomal recessive 9; NEUROSENSORY NONSYNDROMIC RECESSIVE DEAFNESS 9; OTOF-Related Hearing Loss; AUDITORY NEUROPATHY, AUTOSOMAL RECESSIVE, 1, TEMPERATURE-SENSITIVE. Identifiers: Orphanet 90636, MedGen C1832828, MONDO:0010986, OMIM 601071.

Submissions (2):

Diagnosis and Treatment Center of Genetic Hearing Loss, Eye & ENT Hospital of Fudan University
Classification: Likely pathogenic for Autosomal recessive nonsyndromic hearing loss 9. Last evaluated: 2026-02-04. Review status: no assertion criteria provided. Collection method: clinical testing, in vitro. Allele origin: germline, not applicable. Inheritance: Autosomal recessive inheritance. Affected: yes. Functional consequence: activated cryptic splice donor.
Comment: The c.2676G>A synonymous variant in OTOF (exon 22 splice region) has been reported in at least two patients in trans with likely pathogenic variants: c.669delA;3260A>T and c.5374C>T (PM3). It is absent from population databases (PM2_Supporting). A peripheral blood RNA splicing assay by our center revealed a 21‑bp in‑frame deletion in exon 22 (PVS1_Moderate). The phenotype is consistent with auditory neuropathy (PP4). This variant was reclassified as Likely Pathogenic (PVS1_Moderate, PM2_Supporting, PM3, PP4).

WangQJ Lab, Chinese People's Liberation Army General Hospital
Classification: Uncertain significance for Autosomal recessive nonsyndromic hearing loss 9. Last evaluated: 2021-07-01. Review status: no assertion criteria provided. Collection method: clinical testing. Allele origin: paternal. Affected: yes.

NM_194248.3(OTOF):c.2676G>A (p.Lys892=)

Gene: OTOF (otoferlin; minus strand). Cytogenetic location: 2p23.3.
Variant type: single nucleotide variant.
Coding change: c.2676G>A on transcript NM_194248.3 (MANE Select); coding-DNA position 2676, G replaced by A.
Protein change: p.Lys892=; no amino-acid change (lysine 892 retained).
Molecular consequence: synonymous variant.
Genome position (GRCh38, 1-based): chr2:26,476,891, C>T on the plus strand (G>A on the coding strand, the complement: OTOF is on the minus strand). VCF-style: chr2-26476891-C-T. GRCh37 (hg19) VCF-style: chr2-26699759-C-T.
Other names: c.2676G>A, p.Lys892= (NM_001287489.2); c.435G>A, p.Lys145= (NM_004802.4, NM_194323.3); c.606G>A, p.Lys202= (NM_194322.3).
Identifiers: ClinVar variation 1185106 (VCV001185106.2), dbSNP rs2148050346, ClinGen allele CA425204274.